The following is an entry in ClinVar:

ClinVar aggregate classification (germline): Uncertain significance (1 of 4 stars; one submission).

Conditions:
Hereditary cancer-predisposing syndrome. Also called: Tumor predisposition; Neoplastic Syndromes, Hereditary; Hereditary Cancer Syndrome; Hereditary neoplastic syndrome. Identifiers: Orphanet 140162, MedGen C0027672, MeSH D009386, MONDO:0015356.

Submission:

Ambry Genetics
Classification: Uncertain significance for Hereditary cancer-predisposing syndrome. Last evaluated: 2019-12-10. Review status: criteria provided, single submitter. Criteria: Ambry Variant Classification Scheme 2023. Collection method: clinical testing. Allele origin: germline.
Comment: The p.S105L variant (also known as c.314C>T), located in coding exon 3 of the BRIP1 gene, results from a C to T substitution at nucleotide position 314. The serine at codon 105 is replaced by leucine, an amino acid with dissimilar properties. This amino acid position is highly conserved in available vertebrate species. In addition, the in silico prediction for this alteration is inconclusive. Since supporting evidence is limited at this time, the clinical significance of this alteration remains unclear.

NM_032043.3(BRIP1):c.314C>T (p.Ser105Leu)

Gene: BRIP1 (BRCA1 interacting DNA helicase 1; minus strand). Cytogenetic location: 17q23.2.
Variant type: single nucleotide variant.
Coding change: c.314C>T on transcript NM_032043.3 (MANE Select); coding-DNA position 314, C replaced by T.
Protein change: p.Ser105Leu; replaces serine 105 with leucine.
Molecular consequence: missense variant.
Genome position (GRCh38, 1-based): chr17:61,857,123, G>A on the plus strand (C>T on the coding strand, the complement: BRIP1 is on the minus strand). VCF-style: chr17-61857123-G-A. GRCh37 (hg19) VCF-style: chr17-59934484-G-A.
Other names: short protein forms S105L.
Identifiers: ClinVar variation 1728165 (VCV001728165.2), dbSNP rs1555617829, ClinGen allele CA400485387.